The following is an entry in ClinVar:

ClinVar aggregate classification (germline): Uncertain significance (1 of 4 stars; one submission).

Conditions:
Long QT syndrome (LQTS). Identifiers: MedGen C0023976, MeSH D008133, MONDO:0002442. Disease mechanism: loss of function. Inheritance: Various modes of inheritance.

Allele frequency attached by ClinVar (database versions not stated): gnomAD exomes below 0.00001.

Submission:

Labcorp Genetics (formerly Invitae), Labcorp
Classification: Uncertain significance for Long QT syndrome. Last evaluated: 2019-09-29. Review status: criteria provided, single submitter. Criteria: Invitae Variant Classification Sherloc (09022015). Collection method: clinical testing. Allele origin: germline.
Comment: In summary, the available evidence is currently insufficient to determine the role of this variant in disease. Therefore, it has been classified as a Variant of Uncertain Significance. Algorithms developed to predict the effect of sequence changes on RNA splicing suggest that this variant may create or strengthen a splice site, but this prediction has not been confirmed by published transcriptional studies. Algorithms developed to predict the effect of missense changes on protein structure and function output the following: SIFT: "Deleterious"; PolyPhen-2: "Benign"; Align-GVGD: "Class C0". The glycine amino acid residue is found in multiple mammalian species, suggesting that this missense change does not adversely affect protein function. These predictions have not been confirmed by published functional studies and their clinical significance is uncertain. This variant has not been reported in the literature in individuals with AKAP9-related conditions. This variant is not present in population databases (ExAC no frequency). This sequence change replaces aspartic acid with glycine at codon 2668 of the AKAP9 protein (p.Asp2668Gly). The aspartic acid residue is moderately conserved and there is a moderate physicochemical difference between aspartic acid and glycine.

NM_005751.5(AKAP9):c.8003A>G (p.Asp2668Gly)

Gene: AKAP9 (A-kinase anchoring protein 9; plus strand). Cytogenetic location: 7q21.2.
Variant type: single nucleotide variant.
Coding change: c.8003A>G on transcript NM_005751.5 (MANE Select); coding-DNA position 8003, A replaced by G.
Protein change: p.Asp2668Gly; replaces aspartic acid 2668 with glycine.
Molecular consequence: missense variant.
Genome position (GRCh38, 1-based): chr7:92,080,136, A>G. VCF-style: chr7-92080136-A-G. GRCh37 (hg19) VCF-style: chr7-91709450-A-G.
Other names: c.2648A>G, p.Asp883Gly (NM_001379277.1); c.7979A>G, p.Asp2660Gly (NM_147185.3); short protein forms D2660G, D2668G, D883G.
Identifiers: ClinVar variation 943064 (VCV000943064.9), dbSNP rs1813267926, ClinGen allele CA368137017.